The following is an entry in ClinVar:

ClinVar aggregate classification (germline): Uncertain significance. Review status: criteria provided, multiple submitters, no conflicts (2 of 4 stars). 2 submissions from 2 submitters: Uncertain significance (2). Last evaluated 2025-04-09.

Conditions:
Neurofibromatosis, type 2 (SWNV). Also called: BILATERAL ACOUSTIC NEUROFIBROMATOSIS; SCHWANNOMATOSIS, VESTIBULAR; NF2-Related Schwannomatosis. Identifiers: Orphanet 637, MedGen C0027832, MONDO:0007039, OMIM 101000. Disease mechanism: loss of function.
Hereditary cancer-predisposing syndrome. Also called: Hereditary Cancer Syndrome; Neoplastic Syndromes, Hereditary; Hereditary neoplastic syndrome; Tumor predisposition. Identifiers: Orphanet 140162, MedGen C0027672, MeSH D009386, MONDO:0015356.

Allele frequency attached by ClinVar (database versions not stated): gnomAD exomes below 0.00001.
gnomAD v4.1: 1 of 1,613,812 alleles (0.000062%); highest among the groups gnomAD compares: Non-Finnish European, 0.000085%; no homozygotes.

Submissions (2):

Ambry Genetics
Classification: Uncertain significance for Hereditary cancer-predisposing syndrome. Last evaluated: 2025-04-09. Review status: criteria provided, single submitter. Criteria: Ambry Variant Classification Scheme 2023. Collection method: clinical testing. Allele origin: germline.
Comment: The p.R326G variant (also known as c.976A>G), located in coding exon 10 of the NF2 gene, results from an A to G substitution at nucleotide position 976. The arginine at codon 326 is replaced by glycine, an amino acid with dissimilar properties. This amino acid position is conserved. In addition, the in silico prediction for this alteration is inconclusive. Based on the available evidence, the clinical significance of this variant remains unclear.

Labcorp Genetics (formerly Invitae), Labcorp
Classification: Uncertain significance for Neurofibromatosis, type 2. Last evaluated: 2021-02-27. Review status: criteria provided, single submitter. Criteria: Invitae Variant Classification Sherloc (09022015). Collection method: clinical testing. Allele origin: germline.
Comment: This sequence change replaces arginine with glycine at codon 326 of the NF2 protein (p.Arg326Gly). The arginine residue is highly conserved and there is a moderate physicochemical difference between arginine and glycine. This variant is not present in population databases (ExAC no frequency). This variant has not been reported in the literature in individuals with NF2-related conditions. Algorithms developed to predict the effect of missense changes on protein structure and function are either unavailable or do not agree on the potential impact of this missense change (SIFT: "Deleterious"; PolyPhen-2: "Benign"; Align-GVGD: "Class C45"). In summary, the available evidence is currently insufficient to determine the role of this variant in disease. Therefore, it has been classified as a Variant of Uncertain Significance.

NM_000268.4(NF2):c.976A>G (p.Arg326Gly)

Gene: NF2 (NF2, moesin-ezrin-radixin like (MERLIN) tumor suppressor; plus strand). Cytogenetic location: 22q12.2.
Variant type: single nucleotide variant.
Coding change: c.976A>G on transcript NM_000268.4 (MANE Select); coding-DNA position 976, A replaced by G.
Protein change: p.Arg326Gly; replaces arginine 326 with glycine.
Molecular consequence: missense variant. On other transcripts: non-coding transcript variant (1), intron variant (1).
Genome position (GRCh38, 1-based): chr22:29,668,423, A>G. VCF-style: chr22-29668423-A-G. GRCh37 (hg19) VCF-style: chr22-30064412-A-G.
Other names: c.976A>G (NM_000268.3); c.976A>G, p.Arg326Gly (NM_016418.5, NM_181825.3, NM_181832.3); c.850A>G, p.Arg284Gly (NM_181828.3); c.853A>G, p.Arg285Gly (NM_181829.3); c.727A>G, p.Arg243Gly (NM_181830.3, NM_181831.3); c.447+26138A>G (NM_181833.3); short protein forms R284G, R243G, R285G, R326G.
Identifiers: ClinVar variation 1422893 (VCV001422893.9), dbSNP rs1569302357, ClinGen allele CA411146050.
Genomic context (GRCh38, chr22:29,668,423, plus strand): 5'-CTATTTATGAGGAGAAGGAAAGCCGATTCTTTGGAAGTTCAGCAGATGAAAGCCCAGGCC[A>G]GGGAGGAGAAGGCTAGAAAGCAGGTGAGCACAACCTTGTTTTAACTGATGATGTCACTGT-3'
Protein context (NP_000259.1, residues 316-336): LEVQQMKAQA[Arg326Gly]EEKARKQMER